The following is an entry in ClinVar:

ClinVar aggregate classification (germline): Uncertain significance (1 of 4 stars; one submission).

Submission:

Labcorp Genetics (formerly Invitae), Labcorp
Classification: Uncertain significance. Last evaluated: 2025-01-14. Review status: criteria provided, single submitter. Criteria: Invitae Variant Classification Sherloc (09022015). Collection method: clinical testing. Allele origin: germline.
Comment: This sequence change falls in intron 33 of the STAG1 gene. It does not directly change the encoded amino acid sequence of the STAG1 protein. This variant is not present in population databases (gnomAD no frequency). This variant has not been reported in the literature in individuals affected with STAG1-related conditions. Algorithms developed to predict the effect of sequence changes on RNA splicing suggest that this variant may disrupt the consensus splice site. In summary, the available evidence is currently insufficient to determine the role of this variant in disease. Therefore, it has been classified as a Variant of Uncertain Significance.

NM_005862.3(STAG1):c.3754-8T>G

Gene: STAG1 (STAG1 cohesin complex component; minus strand). Cytogenetic location: 3q22.3.
Variant type: single nucleotide variant.
Coding change: c.3754-8T>G on transcript NM_005862.3 (MANE Select); 8 bases into the intron before coding-DNA position 3754, T replaced by G.
Molecular consequence: intron variant.
Genome position (GRCh38, 1-based): chr3:136,338,285, A>C on the plus strand (T>G on the coding strand, the complement: STAG1 is on the minus strand). VCF-style: chr3-136338285-A-C. GRCh37 (hg19) VCF-style: chr3-136057127-A-C.
Identifiers: ClinVar variation 3728979 (VCV003728979.2).